The following is an entry in ClinVar:

NM_016169.4(SUFU):c.1034A>G (p.Asp345Gly)

Gene: SUFU (SUFU negative regulator of hedgehog signaling; plus strand). Cytogenetic location: 10q24.32.
Variant type: single nucleotide variant.
Coding change: c.1034A>G on transcript NM_016169.4 (MANE Select); coding-DNA position 1034, A replaced by G.
Protein change: p.Asp345Gly; replaces aspartic acid 345 with glycine.
Molecular consequence: missense variant.
Genome position (GRCh38, 1-based): chr10:102,615,279, A>G. VCF-style: chr10-102615279-A-G. GRCh37 (hg19) VCF-style: chr10-104375036-A-G.
Other names: c.1034A>G, p.Asp345Gly (NM_001178133.2); short protein forms D345G.
Identifiers: ClinVar variation 642242 (VCV000642242.12), dbSNP rs1590082122, ClinGen allele CA377913637.

ClinVar aggregate classification (germline): Uncertain significance. Review status: criteria provided, multiple submitters, no conflicts (2 of 4 stars). 3 submissions from 3 submitters: Uncertain significance (3). Last evaluated 2024-02-09.

Conditions:
Hereditary cancer-predisposing syndrome. Also called: Neoplastic Syndromes, Hereditary; Hereditary Cancer Syndrome; Hereditary neoplastic syndrome; Tumor predisposition. Identifiers: Orphanet 140162, MedGen C0027672, MeSH D009386, MONDO:0015356.
Gorlin syndrome. Also called: Basal cell nevus syndrome; Nevoid Basal Cell Carcinoma Syndrome. Identifiers: Orphanet 377, MedGen C0004779, MONDO:0007187.
Medulloblastoma (MDB). Also called: MEDULLOBLASTOMA PREDISPOSITION SYNDROME; Medulloblastoma, somatic. Identifiers: Orphanet 616, MedGen C0025149, MeSH D008527, MONDO:0007959, OMIM 155255, HP:0002885.
Familial meningioma. Also called: Meningioma, familial, susceptibility to. Identifiers: Orphanet 263662, MedGen C3551915, MONDO:0011789, OMIM 607174.

Allele frequency attached by ClinVar (database versions not stated): gnomAD exomes 0.00001.
gnomAD v4.1: 3 of 1,614,154 alleles (0.00019%); highest among the groups gnomAD compares: Non-Finnish European, 0.00025%; no homozygotes.

Submissions (3):

Baylor Genetics
Classification: Uncertain significance for Familial meningioma. Last evaluated: 2024-02-09. Review status: criteria provided, single submitter. Criteria: ACMG Guidelines, 2015. Collection method: clinical testing. Allele origin: unknown.

Ambry Genetics
Classification: Uncertain significance for Hereditary cancer-predisposing syndrome. Last evaluated: 2022-06-30. Review status: criteria provided, single submitter. Criteria: Ambry Variant Classification Scheme 2023. Collection method: clinical testing. Allele origin: germline.
Comment: The p.D345G variant (also known as c.1034A>G), located in coding exon 9 of the SUFU gene, results from an A to G substitution at nucleotide position 1034. The aspartic acid at codon 345 is replaced by glycine, an amino acid with similar properties. This amino acid position is conserved. In addition, the in silico prediction for this alteration is inconclusive. Since supporting evidence is limited at this time, the clinical significance of this alteration remains unclear.

Labcorp Genetics (formerly Invitae), Labcorp
Classification: Uncertain significance for Gorlin syndrome; Medulloblastoma. Last evaluated: 2018-11-12. Review status: criteria provided, single submitter. Criteria: Invitae Variant Classification Sherloc (09022015). Collection method: clinical testing. Allele origin: germline.
Comment: This variant is not present in population databases (ExAC no frequency). In summary, the available evidence is currently insufficient to determine the role of this variant in disease. Therefore, it has been classified as a Variant of Uncertain Significance. Algorithms developed to predict the effect of missense changes on protein structure and function (SIFT, PolyPhen-2, Align-GVGD) all suggest that this variant is likely to be tolerated, but these predictions have not been confirmed by published functional studies and their clinical significance is uncertain. This variant has not been reported in the literature in individuals with SUFU-related disease. This sequence change replaces aspartic acid with glycine at codon 345 of the SUFU protein (p.Asp345Gly). The aspartic acid residue is highly conserved and there is a moderate physicochemical difference between aspartic acid and glycine.